The following is an entry in ClinVar:

NC_000011.10:g.8038911C>T

Gene: TUB (TUB bipartite transcription factor; plus strand). Cytogenetic location: 11p15.4.
Variant type: single nucleotide variant.
Molecular consequence: missense variant (on NM_003320.5). On other transcripts: intron variant (4).
Genome position: GRCh38 VCF-style: chr11-8038911-C-T. GRCh37 (hg19) VCF-style: chr11-8060458-C-T.
Other names: c.38C>T, p.Ser13Phe (NM_003320.5); c.56+19553C>T (NM_001440538.1, NM_001440539.1, NM_001440540.1 and 1 more transcripts); short protein forms S13F.
Identifiers: ClinVar variation 1358306 (VCV001358306.7), dbSNP rs746373998, ClinGen allele CA5870798.
Genomic context (GRCh38, chr11:8,038,911, plus strand): 5'-ACCCACTCCATCCTGTGGCCACGATGGGGGCCAGGACACCTTTGCCTTCTTTCTGGGTTT[C>T]TTTCTTTGCCGAGACAGGGATTTTGTTCCCAGGAGGCACTCCCTGGCCCATGGGATCTCA-3'

ClinVar aggregate classification (germline): Uncertain significance (1 of 4 stars; one submission).

Allele frequency attached by ClinVar (database versions not stated): gnomAD exomes below 0.00001; ExAC 0.00001.
gnomAD v4.1: 1 of 1,613,700 alleles (0.000062%); no homozygotes.

Submission:

Labcorp Genetics (formerly Invitae), Labcorp
Classification: Uncertain significance. Last evaluated: 2022-03-20. Review status: criteria provided, single submitter. Criteria: Invitae Variant Classification Sherloc (09022015). Collection method: clinical testing. Allele origin: germline.
Comment: Algorithms developed to predict the effect of missense changes on protein structure and function (SIFT, PolyPhen-2, Align-GVGD) all suggest that this variant is likely to be tolerated. In summary, the available evidence is currently insufficient to determine the role of this variant in disease. Therefore, it has been classified as a Variant of Uncertain Significance. This variant has not been reported in the literature in individuals affected with TUB-related conditions. This sequence change replaces serine, which is neutral and polar, with phenylalanine, which is neutral and non-polar, at codon 13 of the TUB protein (p.Ser13Phe). This variant is present in population databases (rs746373998, gnomAD 0.003%).